The following is an entry in ClinVar:

ClinVar aggregate classification (germline): Likely pathogenic. Review status: criteria provided, single submitter (1 of 4 stars). 2 submissions from 2 submitters: Likely pathogenic (1). 1 of the submissions does not count toward it. Last evaluated 2024-08-14.

Conditions:
Syndactyly type 8. Also called: Metacarpal 4-5 fusion; Metacarpals 4 and 5 fusion. Identifiers: Orphanet 2498, MedGen C1839728, MONDO:0010669, OMIM 309630.

Submissions (2):

GeneDx
Classification: Likely pathogenic. Last evaluated: 2024-08-14. Review status: criteria provided, single submitter. Criteria: GeneDx Variant Classification Process June 2021. Collection method: clinical testing. Allele origin: germline. Affected: yes.
Comment: Not observed at significant frequency in large population cohorts (gnomAD); Frameshift variant predicted to result in abnormal protein length as the last 110 amino acids are replaced with 27 different amino acids; This variant is associated with the following publications: (PMID: 24878828)

OMIM
Classification: Pathogenic for METACARPAL 4-5 FUSION. Last evaluated: 2014-07-01. Review status: no assertion criteria provided. Collection method: literature only. Allele origin: germline. Not counted in ClinVar's aggregate classification.

Literature cited by the submitters: PubMed 24878828 (cited by OMIM).

NM_003868.2(FGF16):c.275_293dup

Gene: FGF16 (fibroblast growth factor 16; plus strand). Cytogenetic location: Xq21.1.
Variant type: Duplication.
Coding change: c.275_293dup on transcript NM_003868.2; coding-DNA positions 275 to 293, 19 bases duplicated (GAATCCTGGAGTTTATCAG).
Genome position (GRCh38, 1-based): chrX:77,454,157-77,454,175, GAATCCTGGAGTTTATCAG duplicated; duplicating any 19 consecutive bases within chrX:77,454,155-77,454,175 gives the same sequence; the c. name uses the placement nearest the transcript's 3' end. VCF-style (leftmost placement, unchanged base first): chrX-77454154-T-TAGGAATCCTGGAGTTTATC. GRCh37 (hg19) VCF-style: chrX-76709645-T-TAGGAATCCTGGAGTTTATC.
Other names: c.275_293dup19 (NM_003868.2).
Identifiers: ClinVar variation 160345 (VCV000160345.5), dbSNP rs606231304, ClinGen allele CA173956.